The following is an entry in ClinVar:

ClinVar aggregate classification (germline): Conflicting classifications of pathogenicity. Review status: criteria provided, conflicting classifications (1 of 4 stars). 3 submissions from 3 submitters: Uncertain significance (1); Likely benign (1). 1 of the submissions does not count toward it. Last evaluated 2022-07-15.

Conditions:
MAGEL2-related disorder. Also called: MAGEL2-related condition.
Inborn genetic diseases. Identifiers: MedGen C0950123, MeSH D030342.

gnomAD v4.1: 42 of 1,613,712 alleles (0.0026%); highest among the groups gnomAD compares: East Asian, 0.013%; no homozygotes.

Submissions (3):

Labcorp Genetics (formerly Invitae), Labcorp
Classification: Uncertain significance. Last evaluated: 2022-07-15. Review status: criteria provided, single submitter. Criteria: Invitae Variant Classification Sherloc (09022015). Collection method: clinical testing. Allele origin: germline.
Comment: This variant has not been reported in the literature in individuals affected with MAGEL2-related conditions. This sequence change replaces arginine, which is basic and polar, with histidine, which is basic and polar, at codon 880 of the MAGEL2 protein (p.Arg880His). This variant is present in population databases (rs775947264, gnomAD 0.007%). Algorithms developed to predict the effect of missense changes on protein structure and function output the following: SIFT: "Not Available"; PolyPhen-2: "Not Available"; Align-GVGD: "Not Available". The histidine amino acid residue is found in multiple mammalian species, which suggests that this missense change does not adversely affect protein function. In summary, the available evidence is currently insufficient to determine the role of this variant in disease. Therefore, it has been classified as a Variant of Uncertain Significance.

Ambry Genetics
Classification: Likely benign for Inborn genetic diseases. Last evaluated: 2022-06-06. Review status: criteria provided, single submitter. Criteria: Ambry Variant Classification Scheme 2023. Collection method: clinical testing. Allele origin: germline.

PreventionGenetics, part of Exact Sciences
Classification: Uncertain significance for MAGEL2-related condition. Last evaluated: 2024-04-16. Review status: no assertion criteria provided. Collection method: clinical testing. Allele origin: germline. Not counted in ClinVar's aggregate classification.
Comment: The MAGEL2 c.2639G>A variant is predicted to result in the amino acid substitution p.Arg880His. To our knowledge, this variant has not been reported in the literature. This variant is reported in 0.0070% of alleles in individuals of European (Non-Finnish) descent in gnomAD. At this time, the clinical significance of this variant is uncertain due to the absence of conclusive functional and genetic evidence.

NM_019066.5(MAGEL2):c.2639G>A (p.Arg880His)

Gene: MAGEL2 (MAGE family member L2; minus strand). Cytogenetic location: 15q11.2.
Variant type: single nucleotide variant.
Coding change: c.2639G>A on transcript NM_019066.5 (MANE Select); coding-DNA position 2639, G replaced by A.
Protein change: p.Arg880His; replaces arginine 880 with histidine.
Molecular consequence: missense variant.
Genome position (GRCh38, 1-based): chr15:23,645,104, C>T on the plus strand (G>A on the coding strand, the complement: MAGEL2 is on the minus strand). VCF-style: chr15-23645104-C-T. GRCh37 (hg19) VCF-style: chr15-23890251-C-T.
Other names: c.2639G>A (NM_019066.4); short protein forms R880H.
Identifiers: ClinVar variation 2182500 (VCV002182500.6), dbSNP rs775947264, ClinGen allele CA7429853.
Genomic context (GRCh38, chr15:23,645,104, plus strand): 5'-CCACGGCTGTCCTCTTGGGCTTCCAGATGCTTCTTCTTCCGGGTGGCCTTGCCGGAGCGG[C>T]GTGGCGGCTCGACGGAGGTCTTGGAGGCCTCTTGAGTGGTGGCAGTTGCCTGGGGGGCAG-3'
Protein context (NP_061939.3, residues 870-890): EASKTSVEPP[Arg880His]RSGKATRKKK